The following is an entry in ClinVar:

ClinVar aggregate classification (germline): Uncertain significance. Review status: criteria provided, multiple submitters, no conflicts (2 of 4 stars). 2 submissions from 2 submitters: Uncertain significance (2). Last evaluated 2025-03-30.

Conditions:
Neuropathy, hereditary sensory and autonomic, type 2A (HSAN2A). Also called: HSAN IIA; ACROOSTEOLYSIS, GIACCAI TYPE; ACROOSTEOLYSIS, NEUROGENIC; WNK1-Related HSAN2 (HSAN2A); MORVAN DISEASE; NEUROPATHY, CONGENITAL SENSORY. Identifiers: Orphanet 970, MedGen C2752089, MONDO:0024309, OMIM 201300.
Generalized epilepsy with febrile seizures plus, type 7 (GEFSP7). Also called: GEFS+, TYPE 7. Identifiers: Orphanet 36387, MedGen C2751778, MONDO:0013470, OMIM 613863.

Allele frequency attached by ClinVar (database versions not stated): gnomAD 0.00001; gnomAD exomes 0.00001; TOPMed 0.00001; ExAC 0.00003.
gnomAD v4.1: 10 of 1,562,992 alleles (0.00064%); highest among the groups gnomAD compares: Middle Eastern, 0.017%; no homozygotes.

Submissions (2):

Labcorp Genetics (formerly Invitae), Labcorp
Classification: Uncertain significance for Neuropathy, hereditary sensory and autonomic, type 2A; Generalized epilepsy with febrile seizures plus, type 7. Last evaluated: 2025-03-30. Review status: criteria provided, single submitter. Criteria: Invitae Variant Classification Sherloc (09022015). Collection method: clinical testing. Allele origin: germline.
Comment: This sequence change replaces alanine, which is neutral and non-polar, with valine, which is neutral and non-polar, at codon 766 of the SCN9A protein (p.Ala766Val). This variant is present in population databases (rs749482425, gnomAD 0.002%). This variant has not been reported in the literature in individuals affected with SCN9A-related conditions. ClinVar contains an entry for this variant (Variation ID: 1017889). Invitae Evidence Modeling of protein sequence and biophysical properties (such as structural, functional, and spatial information, amino acid conservation, physicochemical variation, residue mobility, and thermodynamic stability) indicates that this missense variant is not expected to disrupt SCN9A protein function with a negative predictive value of 95%. In summary, the available evidence is currently insufficient to determine the role of this variant in disease. Therefore, it has been classified as a Variant of Uncertain Significance.

CeGaT Center for Human Genetics Tuebingen
Classification: Uncertain significance. Last evaluated: 2021-11-01. Review status: criteria provided, single submitter. Criteria: CeGaT Center For Human Genetics Tuebingen Variant Classification Criteria Version 2. Collection method: clinical testing. Allele origin: germline. Affected: yes. Observed: 1 variant allele.

NM_001365536.1(SCN9A):c.2330C>T (p.Ala777Val)

Genes: SCN1A-AS1 (SCN1A and SCN9A antisense RNA 1; plus strand), SCN9A (sodium voltage-gated channel alpha subunit 9; minus strand). Cytogenetic location: 2q24.3.
Variant type: single nucleotide variant.
Coding change: c.2330C>T on transcript NM_001365536.1 (MANE Select); coding-DNA position 2330, C replaced by T.
Protein change: p.Ala777Val; replaces alanine 777 with valine.
Molecular consequence: missense variant.
Genome position (GRCh38, 1-based): chr2:166,280,370, G>A on the plus strand (C>T on the coding strand, the complement: SCN9A is on the minus strand). VCF-style: chr2-166280370-G-A. GRCh37 (hg19) VCF-style: chr2-167136880-G-A.
Other names: c.2297C>T, p.Ala766Val (NM_002977.4); short protein forms A766V, A777V.
Identifiers: ClinVar variation 1017889 (VCV001017889.41), dbSNP rs749482425, ClinGen allele CA1944297.
Genomic context (GRCh38, chr2:166,280,370, plus strand): 5'-ACTAAAAAGAGAAACTATGAGTACATAACACACAATAAGAGACTTACCAAATTTCCTATA[G>A]CAAGTACATTTTTGAATTCCTCAGTCATTGGGTGGTGTTCCATAGCCATAAATAATGTGT-3'
Protein context (NP_001352465.1, residues 767-787): PMTEEFKNVL[Ala777Val]IGNLVFTGIF